The following is an entry in ClinVar:

NM_001171613.2(PREPL):c.196C>T (p.Gln66Ter)

Gene: PREPL (prolyl endopeptidase like; minus strand). Cytogenetic location: 2p21.
Variant type: single nucleotide variant.
Coding change: c.196C>T on transcript NM_001171613.2 (MANE Select); coding-DNA position 196, C replaced by T.
Protein change: p.Gln66Ter; replaces glutamine 66 with a stop codon.
Molecular consequence: nonsense.
Genome position (GRCh38, 1-based): chr2:44,343,898, G>A on the plus strand (C>T on the coding strand, the complement: PREPL is on the minus strand). VCF-style: chr2-44343898-G-A. GRCh37 (hg19) VCF-style: chr2-44571037-G-A.
Other names: c.463C>T, p.Gln155Ter (NM_001042385.2, NM_001042386.2, NM_001171603.1 and 4 more transcripts); c.196C>T, p.Gln66Ter (NM_001171617.1, NM_001374277.1); short protein forms Q66*, Q155*.
Identifiers: ClinVar variation 1448058 (VCV001448058.6), dbSNP rs2103986758, ClinGen allele CA346693553.
Genomic context (GRCh38, chr2:44,343,898, plus strand): 5'-TTATCTTGGCAGCCACATATTTTTCATCTGGAGCAACTCTGATACAATCAATGAAGGGCT[G>A]GTCTAACTTAAGTTCCTCCAAATTGAATAAAACTTCATAATTATCATTGTCTGCTGTATA-3'

ClinVar aggregate classification (germline): Pathogenic (1 of 4 stars; one submission).

Conditions:
Myasthenic syndrome, congenital, 22 (CMS22). Also called: PREPL DEFICIENCY. Identifiers: MedGen C4479088, MONDO:0044299, OMIM 616224.

Submission:

Labcorp Genetics (formerly Invitae), Labcorp
Classification: Pathogenic for Myasthenic syndrome, congenital, 22. Last evaluated: 2021-05-03. Review status: criteria provided, single submitter. Criteria: Invitae Variant Classification Sherloc (09022015). Collection method: clinical testing. Allele origin: germline.
Comment: For these reasons, this variant has been classified as Pathogenic. This variant has not been reported in the literature in individuals with PREPL-related conditions. This variant is not present in population databases (ExAC no frequency). This sequence change creates a premature translational stop signal (p.Gln155*) in the PREPL gene. It is expected to result in an absent or disrupted protein product. Loss-of-function variants in PREPL are known to be pathogenic (PMID: 24610330, 28726805, 29913539).

Literature cited by the submitters: PubMed 24610330; PubMed 28726805; PubMed 29913539.